The following is an entry in ClinVar:

NM_020937.4(FANCM):c.3187A>G (p.Lys1063Glu)

Gene: FANCM (FA complementation group M; plus strand). Cytogenetic location: 14q21.2.
Variant type: single nucleotide variant.
Coding change: c.3187A>G on transcript NM_020937.4 (MANE Select); coding-DNA position 3187, A replaced by G.
Protein change: p.Lys1063Glu; replaces lysine 1063 with glutamic acid.
Molecular consequence: missense variant.
Genome position (GRCh38, 1-based): chr14:45,175,941, A>G. VCF-style: chr14-45175941-A-G. GRCh37 (hg19) VCF-style: chr14-45645144-A-G.
Other names: c.3109A>G, p.Lys1037Glu (NM_001308133.2); short protein forms K1037E, K1063E.
Identifiers: ClinVar variation 1020284 (VCV001020284.9), dbSNP rs1171533572, ClinGen allele CA389600155.

ClinVar aggregate classification (germline): Uncertain significance. Review status: criteria provided, multiple submitters, no conflicts (2 of 4 stars). 2 submissions from 2 submitters: Uncertain significance (2). Last evaluated 2023-02-01.

Conditions:
Fanconi anemia (FA). Also called: Fanconi's anemia. Identifiers: Orphanet 84, MedGen C0015625, MeSH D005199, MONDO:0019391.
Spermatogenic failure 28. Identifiers: MedGen C4748117, MONDO:0054732, OMIM 618086.
Premature ovarian failure 15. Identifiers: MedGen C4748170, MONDO:0054862, OMIM 618096.

Allele frequency attached by ClinVar (database versions not stated): gnomAD exomes below 0.00001.
gnomAD v4.1: 1 of 1,613,462 alleles (0.000062%); highest among the groups gnomAD compares: Non-Finnish European, 0.000085%; no homozygotes.

Submissions (2):

Labcorp Genetics (formerly Invitae), Labcorp
Classification: Uncertain significance for Fanconi anemia. Last evaluated: 2023-02-01. Review status: criteria provided, single submitter. Criteria: Invitae Variant Classification Sherloc (09022015). Collection method: clinical testing. Allele origin: germline.
Comment: ClinVar contains an entry for this variant (Variation ID: 1020284). In summary, the available evidence is currently insufficient to determine the role of this variant in disease. Therefore, it has been classified as a Variant of Uncertain Significance. Algorithms developed to predict the effect of missense changes on protein structure and function (SIFT, PolyPhen-2, Align-GVGD) all suggest that this variant is likely to be tolerated. This variant has not been reported in the literature in individuals affected with FANCM-related conditions. This variant is present in population databases (no rsID available, gnomAD 0.0009%). This sequence change replaces lysine, which is basic and polar, with glutamic acid, which is acidic and polar, at codon 1063 of the FANCM protein (p.Lys1063Glu).

Fulgent Genetics
Classification: Uncertain significance for Spermatogenic failure 28; Premature ovarian failure 15. Last evaluated: 2022-03-22. Review status: criteria provided, single submitter. Criteria: ACMG Guidelines, 2015. Collection method: clinical testing. Allele origin: unknown.